The following is an entry in ClinVar:

NM_006371.5(CRTAP):c.732C>T (p.Leu244=)

Gene: CRTAP (cartilage associated protein; plus strand). Cytogenetic location: 3p22.3.
Variant type: single nucleotide variant.
Coding change: c.732C>T on transcript NM_006371.5 (MANE Select); coding-DNA position 732, C replaced by T.
Protein change: p.Leu244=; no amino-acid change (leucine 244 retained).
Molecular consequence: synonymous variant.
Genome position (GRCh38, 1-based): chr3:33,124,518, C>T. VCF-style: chr3-33124518-C-T. GRCh37 (hg19) VCF-style: chr3-33166010-C-T.
Other names: c.732C>T, p.Leu244= (NM_001393363.1, NM_001393364.1); c.582C>T, p.Leu194= (NM_001393365.1).
Identifiers: ClinVar variation 284911 (VCV000284911.60), dbSNP rs149119710, ClinGen allele CA2300367.

ClinVar aggregate classification (germline): Conflicting classifications of pathogenicity. Review status: criteria provided, conflicting classifications (1 of 4 stars). 9 submissions from 9 submitters: Uncertain significance (1); Benign (1); Likely benign (6). 1 of the submissions does not count toward it. Last evaluated 2026-02-04.

Conditions:
CRTAP-related disorder. Also called: CRTAP-related condition.
Osteogenesis imperfecta (OI). Identifiers: Orphanet 666, MedGen C0029434, MeSH D010013, MONDO:0019019.
Osteogenesis imperfecta type 7 (OI7). Also called: OSTEOGENESIS IMPERFECTA, TYPE IIB; Osteogenesis imperfecta type 2B; OI type 2B; Osteogenesis imperfecta, perinatal lethal autosomal recessive; OI type IIB; OI type 7. Identifiers: MedGen C1853162, MONDO:0012536, OMIM 610682.

Allele frequency attached by ClinVar (database versions not stated): gnomAD 0.00178 and 0.00175; TOPMed 0.00181; gnomAD exomes 0.00213 and 0.00275; ExAC 0.00222; 1000 Genomes Project 30x 0.00047; 1000 Genomes Project 0.00060; ESP Exome Variant Server 0.00138.
gnomAD v4.1: 4,229 of 1,614,206 alleles (0.26%); highest among the groups gnomAD compares: Non-Finnish European, 0.33%; 3 homozygotes.

Submissions (9):

Labcorp Genetics (formerly Invitae), Labcorp
Classification: Benign for Osteogenesis imperfecta type 7. Last evaluated: 2026-02-04. Review status: criteria provided, single submitter. Criteria: Invitae Variant Classification Sherloc (09022015). Collection method: clinical testing. Allele origin: germline.

CeGaT Center for Human Genetics Tuebingen
Classification: Likely benign. Last evaluated: 2025-11-01. Review status: criteria provided, single submitter. Criteria: CeGaT Center For Human Genetics Tuebingen Variant Classification Criteria Version 2. Collection method: clinical testing. Allele origin: germline. Affected: yes. Observed: 4 variant alleles.
Comment: CRTAP: BP4, BP7

Blueprint Genetics
Classification: Likely benign. Last evaluated: 2024-11-26. Review status: criteria provided, single submitter. Criteria: ACMG Guidelines, 2015. Collection method: clinical testing. Allele origin: germline.

ARUP Laboratories, Molecular Genetics and Genomics, ARUP Laboratories
Classification: Likely benign for Osteogenesis imperfecta type 7. Last evaluated: 2024-08-23. Review status: criteria provided, single submitter. Criteria: ARUP Molecular Germline Variant Investigation Process 2024. Collection method: clinical testing. Allele origin: germline.

Genome Diagnostics Laboratory, The Hospital for Sick Children
Classification: Likely benign for Osteogenesis imperfecta. Last evaluated: 2022-07-19. Review status: criteria provided, single submitter. Criteria: ACMG Guidelines, 2015. Collection method: clinical testing. Allele origin: germline.

GeneDx
Classification: Likely benign. Last evaluated: 2020-07-14. Review status: criteria provided, single submitter. Criteria: GeneDx Variant Classification Process June 2021. Collection method: clinical testing. Allele origin: germline. Affected: yes.

Illumina Laboratory Services, Illumina
Classification: Uncertain significance for Osteogenesis imperfecta type 7. Last evaluated: 2018-01-13. Review status: criteria provided, single submitter. Criteria: ICSL Variant Classification Criteria 13 December 2019. Collection method: clinical testing. Allele origin: germline.

Eurofins Ntd Llc (ga)
Classification: Likely benign. Last evaluated: 2015-12-07. Review status: criteria provided, single submitter. Criteria: EGL Classification Definitions 2015. Collection method: clinical testing. Allele origin: germline. Observed: 1 variant allele, 1 heterozygote.

PreventionGenetics, part of Exact Sciences
Classification: Likely benign for CRTAP-related condition. Last evaluated: 2019-03-13. Review status: no assertion criteria provided. Collection method: clinical testing. Allele origin: germline. Not counted in ClinVar's aggregate classification.
Comment: This variant is classified as likely benign based on ACMG/AMP sequence variant interpretation guidelines (Richards et al. 2015 PMID: 25741868, with internal and published modifications).